The following is an entry in ClinVar:

ClinVar aggregate classification (germline): Benign. Review status: criteria provided, multiple submitters, no conflicts (2 of 4 stars). 3 submissions from 3 submitters: Benign (3). Last evaluated 2024-01-24.

Allele frequency attached by ClinVar (database versions not stated): gnomAD 0.38383 and 0.38414; TOPMed 0.39621; 1000 Genomes Project 0.47324; 1000 Genomes Project 30x 0.47861.
gnomAD v4.1: 269,567 of 892,744 alleles (30%); highest among the groups gnomAD compares: African/African-American, 72%; 49,732 homozygotes.

Submissions (3):

Unidad de Genómica Garrahan, Hospital de Pediatría Garrahan
Classification: Benign. Last evaluated: 2024-01-24. Review status: criteria provided, single submitter. Criteria: ACMG Guidelines, 2015. Collection method: clinical testing. Allele origin: germline. Affected: no. Observed: 32 variant alleles.
Comment: This variant is classified as Benign based on local population frequency. This variant was detected in 36% of patients studied by a panel of primary immunodeficiencies. Number of patients: 32. Only high quality variants are reported.

GeneDx
Classification: Benign. Last evaluated: 2018-11-12. Review status: criteria provided, single submitter. Criteria: GeneDx Variant Classification Process June 2021. Collection method: clinical testing. Allele origin: germline. Affected: yes.

Breakthrough Genomics
Classification: Benign. Review status: criteria provided, single submitter. Criteria: ACMG Guidelines, 2015. Collection method: not provided. Allele origin: germline. Inheritance: Autosomal recessive inheritance. Affected: yes.

NM_005026.5(PIK3CD):c.1243-108T>C

Genes: PIK3CD (phosphatidylinositol-4,5-bisphosphate 3-kinase catalytic subunit delta; plus strand), LOC126805612 (MED14-independent group 3 enhancer GRCh37_chr1:9778914-9780113; plus strand). Cytogenetic location: 1p36.22.
Variant type: single nucleotide variant.
Coding change: c.1243-108T>C on transcript NM_005026.5 (MANE Select); 108 bases into the intron before coding-DNA position 1243, T replaced by C.
Molecular consequence: intron variant.
Genome position (GRCh38, 1-based): chr1:9,719,813, T>C. VCF-style: chr1-9719813-T-C. GRCh37 (hg19) VCF-style: chr1-9779871-T-C.
Other names: c.1243-108T>C (NM_001350234.2); c.1156-108T>C (NM_001350235.1).
Identifiers: ClinVar variation 1234673 (VCV001234673.6), dbSNP rs9430220, ClinGen allele CA10714747.